The following is an entry in ClinVar:

NM_183357.3(ADCY5):c.130C>T (p.His44Tyr)

Gene: ADCY5 (adenylate cyclase 5; minus strand). Cytogenetic location: 3q21.1.
Variant type: single nucleotide variant.
Coding change: c.130C>T on transcript NM_183357.3 (MANE Select); coding-DNA position 130, C replaced by T.
Protein change: p.His44Tyr; replaces histidine 44 with tyrosine.
Molecular consequence: missense variant.
Genome position (GRCh38, 1-based): chr3:123,448,416, G>A on the plus strand (C>T on the coding strand, the complement: ADCY5 is on the minus strand). VCF-style: chr3-123448416-G-A. GRCh37 (hg19) VCF-style: chr3-123167263-G-A.
Other names: c.130C>T, p.His44Tyr (NM_001378259.1); short protein forms H44Y.
Identifiers: ClinVar variation 702084 (VCV000702084.11), dbSNP rs189868197, ClinGen allele CA2577743.

ClinVar aggregate classification (germline): Benign/Likely benign. Review status: criteria provided, multiple submitters, no conflicts (2 of 4 stars). 3 submissions from 3 submitters: Benign (1); Likely benign (2). Last evaluated 2026-01-21.

Conditions:
Dyskinesia with orofacial involvement, autosomal recessive. Identifiers: MedGen C5562036, MONDO:0030625, OMIM 619647.
Neurodevelopmental disorder with hyperkinetic movements and dyskinesia. Identifiers: MedGen C5562038, MONDO:0859211, OMIM 619651.
Dyskinesia with orofacial involvement, autosomal dominant (DSKOD). Also called: Familial Dyskinesia with Facial Myokymia (FDFM); Dyskinesia, familial, with facial myokymia; Familial dyskinesia and facial myokymia. Identifiers: Orphanet 324588, MedGen C1847627, MONDO:0800028, OMIM 606703.
ADCY5-related disorder. Also called: ADCY5-related condition.

Allele frequency attached by ClinVar (database versions not stated): gnomAD 0.00096; TOPMed 0.00158; 1000 Genomes Project 0.00240; 1000 Genomes Project 30x 0.00375.
gnomAD v4.1: 586 of 1,388,482 alleles (0.042%); highest among the groups gnomAD compares: East Asian, 1.6%; 4 homozygotes.

Submissions (3):

Labcorp Genetics (formerly Invitae), Labcorp
Classification: Benign. Last evaluated: 2026-01-21. Review status: criteria provided, single submitter. Criteria: Invitae Variant Classification Sherloc (09022015). Collection method: clinical testing. Allele origin: germline.

PreventionGenetics, part of Exact Sciences
Classification: Likely benign for ADCY5-related condition. Last evaluated: 2024-12-23. Review status: criteria provided, single submitter. Criteria: ACMG Guidelines, 2015. Collection method: clinical testing. Allele origin: germline.
Comment: This variant is classified as likely benign based on ACMG/AMP sequence variant interpretation guidelines (Richards et al. 2015 PMID: 25741868, with internal and published modifications).

Fulgent Genetics
Classification: Likely benign for Dyskinesia with orofacial involvement, autosomal dominant; Dyskinesia with orofacial involvement, autosomal recessive; Neurodevelopmental disorder with hyperkinetic movements and dyskinesia. Last evaluated: 2022-04-27. Review status: criteria provided, single submitter. Criteria: ACMG Guidelines, 2015. Collection method: clinical testing. Allele origin: unknown.